The following is an entry in ClinVar:

ClinVar aggregate classification (germline): Uncertain significance (1 of 4 stars; one submission).

Conditions:
Norman-Roberts syndrome (LIS2). Also called: Lissencephaly 2 (Norman-Roberts type). Identifiers: Orphanet 89844, MedGen C0796089, MONDO:0009760, OMIM 257320.
Familial temporal lobe epilepsy 7. Identifiers: Orphanet 101046, MedGen C4225327, MONDO:0014639, OMIM 616436.

gnomAD v4.1: 1 of 1,568,534 alleles (0.000064%); highest among the groups gnomAD compares: Non-Finnish European, 0.000088%; no homozygotes.

Submission:

Labcorp Genetics (formerly Invitae), Labcorp
Classification: Uncertain significance for Familial temporal lobe epilepsy 7; Norman-Roberts syndrome. Last evaluated: 2022-08-16. Review status: criteria provided, single submitter. Criteria: Invitae Variant Classification Sherloc (09022015). Collection method: clinical testing. Allele origin: germline.
Comment: ClinVar contains an entry for this variant (Variation ID: 1393729). In summary, the available evidence is currently insufficient to determine the role of this variant in disease. Therefore, it has been classified as a Variant of Uncertain Significance. Algorithms developed to predict the effect of missense changes on protein structure and function (SIFT, PolyPhen-2, Align-GVGD) all suggest that this variant is likely to be tolerated. This variant has not been reported in the literature in individuals affected with RELN-related conditions. This variant is not present in population databases (gnomAD no frequency). This sequence change replaces threonine, which is neutral and polar, with serine, which is neutral and polar, at codon 1526 of the RELN protein (p.Thr1526Ser).

NM_005045.4(RELN):c.4577C>G (p.Thr1526Ser)

Gene: RELN (reelin; minus strand). Cytogenetic location: 7q22.1.
Variant type: single nucleotide variant.
Coding change: c.4577C>G on transcript NM_005045.4 (MANE Select); coding-DNA position 4577, C replaced by G.
Protein change: p.Thr1526Ser; replaces threonine 1526 with serine.
Molecular consequence: missense variant.
Genome position (GRCh38, 1-based): chr7:103,572,195, G>C on the plus strand (C>G on the coding strand, the complement: RELN is on the minus strand). VCF-style: chr7-103572195-G-C. GRCh37 (hg19) VCF-style: chr7-103212642-G-C.
Other names: c.4577C>G, p.Thr1526Ser (NM_173054.3); short protein forms T1526S.
Identifiers: ClinVar variation 1393729 (VCV001393729.8), dbSNP rs2117200905, ClinGen allele CA368749902.